The following is an entry in ClinVar:

ClinVar aggregate classification (germline): Uncertain significance. Review status: criteria provided, multiple submitters, no conflicts (2 of 4 stars). 2 submissions from 2 submitters: Uncertain significance (2). Last evaluated 2025-06-28.

Conditions:
Inborn genetic diseases. Identifiers: MedGen C0950123, MeSH D030342.
Baller-Gerold syndrome (BGS). Also called: CRANIOSYNOSTOSIS WITH RADIAL DEFECTS. Identifiers: Orphanet 1225, MedGen C0265308, MONDO:0009039, OMIM 218600.

Allele frequency attached by ClinVar (database versions not stated): TOPMed below 0.00001; gnomAD 0.00001.
gnomAD v4.1: 1 of 1,612,414 alleles (0.000062%); highest among the groups gnomAD compares: African/African-American, 0.0013%; no homozygotes.

Submissions (2):

Ambry Genetics
Classification: Uncertain significance for Inborn genetic diseases. Last evaluated: 2025-06-28. Review status: criteria provided, single submitter. Criteria: Ambry Variant Classification Scheme 2023. Collection method: clinical testing. Allele origin: germline.
Comment: The p.P965S variant (also known as c.2893C>T), located in coding exon 17 of the RECQL4 gene, results from a C to T substitution at nucleotide position 2893. The proline at codon 965 is replaced by serine, an amino acid with similar properties. This amino acid position is conserved. Based on the available evidence, the clinical significance of this variant remains unclear.

Labcorp Genetics (formerly Invitae), Labcorp
Classification: Uncertain significance for Baller-Gerold syndrome. Last evaluated: 2023-09-27. Review status: criteria provided, single submitter. Criteria: Invitae Variant Classification Sherloc (09022015). Collection method: clinical testing. Allele origin: germline.
Comment: This sequence change replaces proline, which is neutral and non-polar, with serine, which is neutral and polar, at codon 965 of the RECQL4 protein (p.Pro965Ser). This variant is present in population databases (no rsID available, gnomAD 0.01%). This variant has not been reported in the literature in individuals affected with RECQL4-related conditions. ClinVar contains an entry for this variant (Variation ID: 1383745). Advanced modeling of protein sequence and biophysical properties (such as structural, functional, and spatial information, amino acid conservation, physicochemical variation, residue mobility, and thermodynamic stability) has been performed at Invitae for this missense variant, however the output from this modeling did not meet the statistical confidence thresholds required to predict the impact of this variant on RECQL4 protein function. In summary, the available evidence is currently insufficient to determine the role of this variant in disease. Therefore, it has been classified as a Variant of Uncertain Significance.

NM_004260.4(RECQL4):c.2893C>T (p.Pro965Ser)

Gene: RECQL4 (RecQ like helicase 4; minus strand). Cytogenetic location: 8q24.3.
Variant type: single nucleotide variant.
Coding change: c.2893C>T on transcript NM_004260.4 (MANE Select); coding-DNA position 2893, C replaced by T.
Protein change: p.Pro965Ser; replaces proline 965 with serine.
Molecular consequence: missense variant.
Genome position (GRCh38, 1-based): chr8:144,512,554, G>A on the plus strand (C>T on the coding strand, the complement: RECQL4 is on the minus strand). VCF-style: chr8-144512554-G-A. GRCh37 (hg19) VCF-style: chr8-145737937-G-A.
Other names: c.2893C>T (NM_004260.3); short protein forms P965S.
Identifiers: ClinVar variation 1383745 (VCV001383745.7), dbSNP rs1383809349, ClinGen allele CA372673657.